The following is an entry in ClinVar:

NM_001458.5(FLNC):c.6034G>T (p.Glu2012Ter)

Genes: FLNC-AS1 (FLNC antisense RNA 1; minus strand), FLNC (filamin C; plus strand). Cytogenetic location: 7q32.1.
Variant type: single nucleotide variant.
Coding change: c.6034G>T on transcript NM_001458.5 (MANE Select); coding-DNA position 6034, G replaced by T.
Protein change: p.Glu2012Ter; replaces glutamic acid 2012 with a stop codon.
Molecular consequence: nonsense.
Genome position (GRCh38, 1-based): chr7:128,852,857, G>T. VCF-style: chr7-128852857-G-T. GRCh37 (hg19) VCF-style: chr7-128492911-G-T.
Other names: c.5935G>T, p.Glu1979Ter (NM_001127487.2); short protein forms E1979*, E2012*.
Identifiers: ClinVar variation 4812552 (VCV004812552.1).

ClinVar aggregate classification (germline): Pathogenic (1 of 4 stars; one submission).

Conditions:
Hypertrophic cardiomyopathy 26. Also called: Cardiomyopathy, familial hypertrophic, 26. Identifiers: Orphanet 75249, MedGen C4310749, MONDO:0014883, OMIM 617047.
Myofibrillar myopathy 5. Also called: Filaminopathy (type); FILAMINOPATHY, AUTOSOMAL DOMINANT. Identifiers: Orphanet 171445, MedGen C1836050, MONDO:0012289, OMIM 609524.
Distal myopathy with posterior leg and anterior hand involvement. Also called: WILLIAMS DISTAL MYOPATHY. Identifiers: Orphanet 63273, MedGen C3279722, MONDO:0013550, OMIM 614065.

Submission:

Labcorp Genetics (formerly Invitae), Labcorp
Classification: Pathogenic for Distal myopathy with posterior leg and anterior hand involvement; Myofibrillar myopathy 5; Hypertrophic cardiomyopathy 26. Last evaluated: 2025-11-24. Review status: criteria provided, single submitter. Criteria: Invitae Variant Classification Sherloc (09022015). Collection method: clinical testing. Allele origin: germline.
Comment: This sequence change creates a premature translational stop signal (p.Glu2012*) in the FLNC gene. It is expected to result in an absent or disrupted protein product. Loss-of-function variants in FLNC are known to be pathogenic (PMID: 27908349). This variant is not present in population databases (gnomAD no frequency). This variant has not been reported in the literature in individuals affected with FLNC-related conditions. For these reasons, this variant has been classified as Pathogenic.

Literature cited by the submitters: PubMed 27908349.